The following is an entry in ClinVar:

NM_001184880.2(PCDH19):c.3241G>A (p.Val1081Met)

Gene: PCDH19 (protocadherin 19; minus strand). Cytogenetic location: Xq22.1.
Variant type: single nucleotide variant.
Coding change: c.3241G>A on transcript NM_001184880.2 (MANE Select); coding-DNA position 3241, G replaced by A.
Protein change: p.Val1081Met; replaces valine 1081 with methionine.
Molecular consequence: missense variant.
Genome position (GRCh38, 1-based): chrX:100,296,483, C>T on the plus strand (G>A on the coding strand, the complement: PCDH19 is on the minus strand). VCF-style: chrX-100296483-C-T. GRCh37 (hg19) VCF-style: chrX-99551481-C-T.
Other names: c.3100G>A, p.Val1034Met (NM_001105243.2); c.3097G>A, p.Val1033Met (NM_020766.3); short protein forms V1033M, V1034M, V1081M.
Identifiers: ClinVar variation 1001962 (VCV001001962.9), dbSNP rs774791898, ClinGen allele CA10468651.
Genomic context (GRCh38, chrX:100,296,483, plus strand): 5'-CATTGTTGACATACTGCTCCAGATCACGGGCTGGGGGAGCCAGGGCAATGGTGTAAGACA[C>T]GGAAGGCTTGGTGGGCAGAGAGCTCTTGAGGTGGAGGGGGGAGGTGACAGGGCTAATCGC-3'
Protein context (NP_001171809.1, residues 1071-1091): LKSSLPTKPS[Val1081Met]SYTIALAPPA

ClinVar aggregate classification (germline): Uncertain significance (1 of 4 stars; one submission).

Conditions:
Developmental and epileptic encephalopathy, 9 (DEE9). Also called: Early infantile epileptic encephalopathy 9; PCDH19-Related X-Linked Female-Limited Epilepsy with Mental Retardation; EPILEPSY, FEMALE-RESTRICTED, WITH MENTAL RETARDATION; JUBERG-HELLMAN SYNDROME. Identifiers: Orphanet 101039, Orphanet 2076, MedGen C1848137, MONDO:0010246, OMIM 300088. Disease mechanism: loss of function.

Allele frequency attached by ClinVar (database versions not stated): gnomAD 0.00001; TOPMed 0.00001.
gnomAD v4.1: 12 of 1,209,197 alleles (0.00099%); highest among the groups gnomAD compares: Non-Finnish European, 0.0013%; no homozygotes.

Submission:

Labcorp Genetics (formerly Invitae), Labcorp
Classification: Uncertain significance for Developmental and epileptic encephalopathy, 9. Last evaluated: 2025-08-29. Review status: criteria provided, single submitter. Criteria: Invitae Variant Classification Sherloc (09022015). Collection method: clinical testing. Allele origin: germline.
Comment: This sequence change replaces valine, which is neutral and non-polar, with methionine, which is neutral and non-polar, at codon 1081 of the PCDH19 protein (p.Val1081Met). This variant is present in population databases (rs774791898, gnomAD 0.004%). This variant has not been reported in the literature in individuals affected with PCDH19-related conditions. ClinVar contains an entry for this variant (Variation ID: 1001962). Invitae Evidence Modeling of protein sequence and biophysical properties (such as structural, functional, and spatial information, amino acid conservation, physicochemical variation, residue mobility, and thermodynamic stability) indicates that this missense variant is not expected to disrupt PCDH19 protein function with a negative predictive value of 95%. In summary, the available evidence is currently insufficient to determine the role of this variant in disease. Therefore, it has been classified as a Variant of Uncertain Significance.